The following is an entry in ClinVar:

NM_001267550.2(TTN):c.102569G>A (p.Gly34190Glu)

Genes: TTN-AS1 (TTN antisense RNA 1; plus strand), TTN (titin; minus strand). Cytogenetic location: 2q31.2.
Variant type: single nucleotide variant.
Coding change: c.102569G>A on transcript NM_001267550.2 (MANE Select); coding-DNA position 102569, G replaced by A.
Protein change: p.Gly34190Glu; replaces glycine 34190 with glutamic acid.
Molecular consequence: missense variant.
Genome position (GRCh38, 1-based): chr2:178,534,046, C>T on the plus strand (G>A on the coding strand, the complement: TTN is on the minus strand). VCF-style: chr2-178534046-C-T. GRCh37 (hg19) VCF-style: chr2-179398773-C-T.
Other names: c.97646G>A, p.Gly32549Glu (NM_001256850.1); c.75374G>A, p.Gly25125Glu (NM_003319.4); c.94865G>A, p.Gly31622Glu (NM_133378.4); c.75749G>A, p.Gly25250Glu (NM_133432.3); c.75950G>A, p.Gly25317Glu (NM_133437.4); short protein forms G31622E, G32549E, G34190E, G25250E, G25317E, G25125E.
Identifiers: ClinVar variation 4789062 (VCV004789062.1).
Genomic context (GRCh38, chr2:178,534,046, plus strand): 5'-TTGCATCTGTAGGTACCATCATCTAATTTGGTAATGTCTTTGACATAGAGGATGGCCACT[C>T]CATCTTCGTAGGTGATTTCGTATTTCTCACTGTTCTCCAGCTGTCGGACGCCAAAGTACC-3'
Protein context (NP_001254479.2, residues 34180-34200): SEKYEITYED[Gly34190Glu]VAILYVKDIT

ClinVar aggregate classification (germline): Uncertain significance (1 of 4 stars; one submission).

Conditions:
Autosomal recessive limb-girdle muscular dystrophy type 2J (LGMDR10). Also called: Limb-girdle muscular dystrophy, type 2J; MUSCULAR DYSTROPHY, LIMB-GIRDLE, AUTOSOMAL RECESSIVE 10. Identifiers: Orphanet 140922, MedGen C1837342, MONDO:0012127, OMIM 608807.
Dilated cardiomyopathy 1G (CMD1G). Identifiers: Orphanet 154, MedGen C1858763, MONDO:0011400, OMIM 604145.

gnomAD v4.1: 3 of 1,613,864 alleles (0.00019%); highest among the groups gnomAD compares: Admixed American, 0.0033%; no homozygotes.

Submission:

Labcorp Genetics (formerly Invitae), Labcorp
Classification: Uncertain significance for Dilated cardiomyopathy 1G; Autosomal recessive limb-girdle muscular dystrophy type 2J. Last evaluated: 2025-06-22. Review status: criteria provided, single submitter. Criteria: Invitae Variant Classification Sherloc (09022015). Collection method: clinical testing. Allele origin: germline.
Comment: This sequence change replaces glycine, which is neutral and non-polar, with glutamic acid, which is acidic and polar, at codon 34190 of the TTN protein (p.Gly34190Glu). This variant is not present in population databases (gnomAD no frequency). This variant has not been reported in the literature in individuals affected with TTN-related conditions. Experimental studies and prediction algorithms are not available or were not evaluated, and the functional significance of this variant is currently unknown. This variant is located in the M band of TTN (PMID: 25589632). Non-truncating variants in this region may be relevant for neuromuscular disorders, but have not been definitively shown to cause cardiomyopathy (PMID: 23975875). In summary, the available evidence is currently insufficient to determine the role of this variant in disease. Therefore, it has been classified as a Variant of Uncertain Significance.

Literature cited by the submitters: PubMed 25589632; PubMed 23975875.